The following is an entry in ClinVar:

ClinVar aggregate classification (germline): Likely benign. Review status: criteria provided, multiple submitters, no conflicts (2 of 4 stars). 6 submissions from 6 submitters: Likely benign (6). Last evaluated 2026-01-25.

Conditions:
Ehlers-Danlos syndrome, type 4 (EDSVASC). Also called: Ehlers-Danlos Syndrome Type IV; Ehlers-Danlos syndrome vascular type; Ehlers Danlos syndrome, ecchymotic type; Ehlers Danlos syndrome, arterial type; Ehlers Danlos syndrome, Sack-Barabas type. Identifiers: Orphanet 286, MedGen C0268338, MONDO:0017314, OMIM 130050.
Familial thoracic aortic aneurysm and aortic dissection (TAAD). Also called: Thoracic aortic aneurysms and dissections. Identifiers: Orphanet 91387, MedGen C4707243, MONDO:0019625.

Allele frequency attached by ClinVar (database versions not stated): ExAC 0.00009; gnomAD exomes 0.00009 and 0.00005; gnomAD below 0.00001 and 0.00001; TOPMed 0.00001.
gnomAD v4.1: 77 of 1,613,024 alleles (0.0048%); highest among the groups gnomAD compares: South Asian, 0.076%; no homozygotes.

Submissions (6):

Labcorp Genetics (formerly Invitae), Labcorp
Classification: Likely benign for Ehlers-Danlos syndrome, type 4. Last evaluated: 2026-01-25. Review status: criteria provided, single submitter. Criteria: Invitae Variant Classification Sherloc (09022015). Collection method: clinical testing. Allele origin: germline.

All of Us Research Program, National Institutes of Health
Classification: Likely benign for Ehlers-Danlos syndrome, type 4. Last evaluated: 2024-09-23. Review status: criteria provided, single submitter. Criteria: ACMG Guidelines, 2015. Collection method: clinical testing. Allele origin: germline. Inheritance: Autosomal dominant inheritance. Observed: 7 variant alleles, 7 heterozygotes.
Comment: This study involves interpretation of variants in research participants for the purpose of population health screening. Participant phenotype was not available at the time of variant classification. Additional details can be found in publication PMID: 35346344, PMCID: PMC8962531

Blueprint Genetics
Classification: Likely benign. Last evaluated: 2023-11-30. Review status: criteria provided, single submitter. Criteria: ACMG Guidelines, 2015. Collection method: clinical testing. Allele origin: germline.

Color Diagnostics, LLC DBA Color Health
Classification: Likely benign for Familial thoracic aortic aneurysm and aortic dissection. Last evaluated: 2018-10-15. Review status: criteria provided, single submitter. Criteria: ACMG Guidelines, 2015. Collection method: clinical testing. Allele origin: germline.

GeneDx
Classification: Likely benign. Last evaluated: 2018-02-27. Review status: criteria provided, single submitter. Criteria: GeneDx Variant Classification (06012015). Collection method: clinical testing. Allele origin: germline. Affected: yes.
Comment: This variant is considered likely benign or benign based on one or more of the following criteria: it is a conservative change, it occurs at a poorly conserved position in the protein, it is predicted to be benign by multiple in silico algorithms, and/or has population frequency not consistent with disease.

Ambry Genetics
Classification: Likely benign for Familial thoracic aortic aneurysm and aortic dissection. Last evaluated: 2017-04-28. Review status: criteria provided, single submitter. Criteria: Ambry Variant Classification Scheme 2023. Collection method: clinical testing. Allele origin: germline.

NM_000090.4(COL3A1):c.123T>C (p.Asp41=)

Gene: COL3A1 (collagen type III alpha 1 chain; plus strand). Cytogenetic location: 2q32.2.
Variant type: single nucleotide variant.
Coding change: c.123T>C on transcript NM_000090.4 (MANE Select); coding-DNA position 123, T replaced by C.
Protein change: p.Asp41=; no amino-acid change (aspartic acid 41 retained).
Molecular consequence: synonymous variant.
Genome position (GRCh38, 1-based): chr2:188,984,803, T>C. VCF-style: chr2-188984803-T-C. GRCh37 (hg19) VCF-style: chr2-189849529-T-C.
Identifiers: ClinVar variation 385534 (VCV000385534.19), dbSNP rs770961095, ClinGen allele CA074028.
Genomic context (GRCh38, chr2:188,984,803, plus strand): 5'-TCTAACTTGTTTTTCAGCTGTTGAAGGAGGATGTTCCCATCTTGGTCAGTCCTATGCGGA[T>C]AGAGATGTCTGGAAGCCAGAACCATGCCAAATATGTGTCTGTGACTCAGGATCCGTTCTC-3'
Protein context (NP_000081.2, residues 31-51): GCSHLGQSYA[Asp41=]RDVWKPEPCQ